The following is an entry in ClinVar:

ClinVar aggregate classification (germline): Uncertain significance. Review status: criteria provided, multiple submitters, no conflicts (2 of 4 stars). 4 submissions from 4 submitters: Uncertain significance (4). Last evaluated 2026-06-15.

Conditions:
Hereditary cancer-predisposing syndrome. Also called: Hereditary Cancer Syndrome; Tumor predisposition; Neoplastic Syndromes, Hereditary; Hereditary neoplastic syndrome. Identifiers: Orphanet 140162, MedGen C0027672, MeSH D009386, MONDO:0015356.
Endometrial carcinoma. Also called: Endometrial carcinoma, somatic. Identifiers: MedGen C0476089, MONDO:0002447, OMIM 608089, HP:0012114.
Hereditary nonpolyposis colorectal neoplasms. Identifiers: MedGen C0009405, MeSH D003123.

Allele frequency attached by ClinVar (database versions not stated): gnomAD exomes below 0.00001; ESP Exome Variant Server 0.00008; ExAC 0.00001.
gnomAD v4.1: 1 of 1,614,138 alleles (0.000062%); no homozygotes.

Submissions (4):

Ambry Genetics
Classification: Uncertain significance for Hereditary cancer-predisposing syndrome. Last evaluated: 2026-06-15. Review status: criteria provided, single submitter. Criteria: Ambry Variant Classification Scheme 2023. Collection method: clinical testing. Allele origin: germline.
Comment: The p.T521I variant (also known as c.1562C>T), located in coding exon 4 of the MSH6 gene, results from a C to T substitution at nucleotide position 1562. The threonine at codon 521 is replaced by isoleucine, an amino acid with similar properties. This amino acid position is highly conserved in available vertebrate species. In addition, this alteration is predicted to be deleterious by in silico analysis. Based on the available evidence, the clinical significance of this variant remains unclear.

Labcorp Genetics (formerly Invitae), Labcorp
Classification: Uncertain significance for Hereditary nonpolyposis colorectal neoplasms. Last evaluated: 2023-07-25. Review status: criteria provided, single submitter. Criteria: Invitae Variant Classification Sherloc (09022015). Collection method: clinical testing. Allele origin: germline.
Comment: This sequence change replaces threonine, which is neutral and polar, with isoleucine, which is neutral and non-polar, at codon 521 of the MSH6 protein (p.Thr521Ile). This variant is present in population databases (rs149159527, gnomAD 0.0009%). This variant has not been reported in the literature in individuals affected with MSH6-related conditions. In summary, the available evidence is currently insufficient to determine the role of this variant in disease. Therefore, it has been classified as a Variant of Uncertain Significance. ClinVar contains an entry for this variant (Variation ID: 1516586). Advanced modeling of protein sequence and biophysical properties (such as structural, functional, and spatial information, amino acid conservation, physicochemical variation, residue mobility, and thermodynamic stability) performed at Invitae indicates that this missense variant is expected to disrupt MSH6 protein function.

Color Diagnostics, LLC DBA Color Health
Classification: Uncertain significance for Hereditary cancer-predisposing syndrome. Last evaluated: 2022-06-06. Review status: criteria provided, single submitter. Criteria: ACMG Guidelines, 2015. Collection method: clinical testing. Allele origin: germline.
Comment: This missense variant replaces threonine with isoleucine at codon 521 of the MSH6 protein. Computational prediction suggests that this variant may have deleterious impact on protein structure and function (internally defined REVEL score threshold >= 0.7, PMID: 27666373). To our knowledge, functional studies have not been reported for this variant. This variant has not been reported in individuals affected with hereditary cancer in the literature. This variant has been identified in 1/251300 chromosomes in the general population by the Genome Aggregation Database (gnomAD). The available evidence is insufficient to determine the role of this variant in disease conclusively. Therefore, this variant is classified as a Variant of Uncertain Significance.

Baylor Genetics
Classification: Uncertain significance for Endometrial carcinoma. Last evaluated: 2021-10-18. Review status: criteria provided, single submitter. Criteria: ACMG Guidelines, 2015. Collection method: clinical testing. Allele origin: unknown.

NM_000179.3(MSH6):c.1562C>T (p.Thr521Ile)

Gene: MSH6 (mutS homolog 6; plus strand). Cytogenetic location: 2p16.3.
Variant type: single nucleotide variant.
Coding change: c.1562C>T on transcript NM_000179.3 (MANE Select); coding-DNA position 1562, C replaced by T.
Protein change: p.Thr521Ile; replaces threonine 521 with isoleucine.
Molecular consequence: missense variant.
Genome position (GRCh38, 1-based): chr2:47,799,545, C>T. VCF-style: chr2-47799545-C-T. GRCh37 (hg19) VCF-style: chr2-48026684-C-T.
Other names: c.1172C>T, p.Thr391Ile (NM_001281492.2); c.656C>T, p.Thr219Ile (NM_001281493.2, NM_001281494.2); c.1562C>T (NM_000179.2); short protein forms T219I, T391I, T521I.
Identifiers: ClinVar variation 1516586 (VCV001516586.10), dbSNP rs149159527, ClinGen allele CA067826.